The following is an entry in ClinVar:

ClinVar aggregate classification (germline): Uncertain significance. Review status: criteria provided, multiple submitters, no conflicts (2 of 4 stars). 2 submissions from 2 submitters: Uncertain significance (2). Last evaluated 2025-12-08.

Conditions:
Inborn genetic diseases. Identifiers: MedGen C0950123, MeSH D030342.
2-aminoadipic 2-oxoadipic aciduria (AAKAD). Also called: Aminoadipic aciduria; ALPHA-AMINOADIPIC AND ALPHA-KETOADIPIC ACIDURIA. Identifiers: Orphanet 79154, MedGen C1859817, MONDO:0008774, OMIM 204750.

Allele frequency attached by ClinVar (database versions not stated): TOPMed below 0.00001; gnomAD 0.00001; gnomAD exomes 0.00001.

Submissions (2):

Ambry Genetics
Classification: Uncertain significance for Inborn genetic diseases. Last evaluated: 2025-12-08. Review status: criteria provided, single submitter. Criteria: Ambry Variant Classification Scheme 2023. Collection method: clinical testing. Allele origin: germline.

Labcorp Genetics (formerly Invitae), Labcorp
Classification: Uncertain significance for 2-aminoadipic 2-oxoadipic aciduria. Last evaluated: 2023-09-08. Review status: criteria provided, single submitter. Criteria: Invitae Variant Classification Sherloc (09022015). Collection method: clinical testing. Allele origin: germline.
Comment: This sequence change replaces valine, which is neutral and non-polar, with isoleucine, which is neutral and non-polar, at codon 293 of the DHTKD1 protein (p.Val293Ile). In summary, the available evidence is currently insufficient to determine the role of this variant in disease. Therefore, it has been classified as a Variant of Uncertain Significance. Advanced modeling of protein sequence and biophysical properties (such as structural, functional, and spatial information, amino acid conservation, physicochemical variation, residue mobility, and thermodynamic stability) performed at Invitae indicates that this missense variant is not expected to disrupt DHTKD1 protein function. ClinVar contains an entry for this variant (Variation ID: 1935305). This variant has not been reported in the literature in individuals affected with DHTKD1-related conditions. This variant is present in population databases (no rsID available, gnomAD 0.003%).

NM_018706.7(DHTKD1):c.877G>A (p.Val293Ile)

Gene: DHTKD1 (dehydrogenase E1 and transketolase domain containing 1; plus strand). Cytogenetic location: 10p14.
Variant type: single nucleotide variant.
Coding change: c.877G>A on transcript NM_018706.7 (MANE Select); coding-DNA position 877, G replaced by A.
Protein change: p.Val293Ile; replaces valine 293 with isoleucine.
Molecular consequence: missense variant.
Genome position (GRCh38, 1-based): chr10:12,089,145, G>A. VCF-style: chr10-12089145-G-A. GRCh37 (hg19) VCF-style: chr10-12131144-G-A.
Other names: c.877G>A (NM_018706.5); short protein forms V293I.
Identifiers: ClinVar variation 1935305 (VCV001935305.6), dbSNP rs917073942, ClinGen allele CA202582181.